The following is an entry in ClinVar:

NM_004484.4(GPC3):c.565G>C (p.Asp189His)

Gene: GPC3 (glypican 3; minus strand). Cytogenetic location: Xq26.2.
Variant type: single nucleotide variant.
Coding change: c.565G>C on transcript NM_004484.4 (MANE Select); coding-DNA position 565, G replaced by C.
Protein change: p.Asp189His; replaces aspartic acid 189 with histidine.
Molecular consequence: missense variant.
Genome position (GRCh38, 1-based): chrX:133,753,949, C>G on the plus strand (G>C on the coding strand, the complement: GPC3 is on the minus strand). VCF-style: chrX-133753949-C-G. GRCh37 (hg19) VCF-style: chrX-132887976-C-G.
Other names: c.565G>C, p.Asp189His (NM_001164617.2); c.517G>C, p.Asp173His (NM_001164618.2); c.403G>C, p.Asp135His (NM_001164619.2); short protein forms D135H, D173H, D189H.
Identifiers: ClinVar variation 838473 (VCV000838473.11), dbSNP rs900143355, ClinGen allele CA414706343.

ClinVar aggregate classification (germline): Uncertain significance. Review status: criteria provided, multiple submitters, no conflicts (2 of 4 stars). 2 submissions from 2 submitters: Uncertain significance (2). Last evaluated 2024-09-04.

Conditions:
Wilms tumor 1 (WT1). Also called: Wilms tumor, somatic. Identifiers: Orphanet 654, MedGen CN033288, MONDO:0008679, OMIM 194070.
Inborn genetic diseases. Identifiers: MedGen C0950123, MeSH D030342.

Submissions (2):

Ambry Genetics
Classification: Uncertain significance for Inborn genetic diseases. Last evaluated: 2024-09-04. Review status: criteria provided, single submitter. Criteria: Ambry Variant Classification Scheme 2023. Collection method: clinical testing. Allele origin: germline.

Labcorp Genetics (formerly Invitae), Labcorp
Classification: Uncertain significance for Wilms tumor 1. Last evaluated: 2022-02-04. Review status: criteria provided, single submitter. Criteria: Invitae Variant Classification Sherloc (09022015). Collection method: clinical testing. Allele origin: germline.
Comment: In summary, the available evidence is currently insufficient to determine the role of this variant in disease. Therefore, it has been classified as a Variant of Uncertain Significance. This sequence change replaces aspartic acid, which is acidic and polar, with histidine, which is basic and polar, at codon 189 of the GPC3 protein (p.Asp189His). This variant is not present in population databases (gnomAD no frequency). This variant has not been reported in the literature in individuals affected with GPC3-related conditions. ClinVar contains an entry for this variant (Variation ID: 838473). Algorithms developed to predict the effect of missense changes on protein structure and function (SIFT, PolyPhen-2, Align-GVGD) all suggest that this variant is likely to be tolerated.